The following is an entry in ClinVar:

NM_001037160.3(CYS1):c.35_36del (p.Leu12fs)

Genes: CYS1 (cystin 1; minus strand), LOC129933088 (ATAC-STARR-seq lymphoblastoid silent region 11155; plus strand). Cytogenetic location: 2p25.1.
Variant type: Deletion.
Coding change: c.35_36del on transcript NM_001037160.3 (MANE Select); coding-DNA positions 35 to 36, 2 bases deleted (TG; older notation c.35_36delTG).
Protein change: p.Leu12fs; shifts the reading frame from leucine 12.
Molecular consequence: frameshift variant.
Genome position (GRCh38, 1-based): chr2:10,080,188-10,080,189, CA deleted on the plus strand (TG on the coding strand, the reverse complement: CYS1 is on the minus strand). VCF-style (leftmost placement, unchanged base first): chr2-10080187-TCA-T. GRCh37 (hg19) VCF-style: chr2-10220314-TCA-T.
Other names: short protein forms L12fs.
Identifiers: ClinVar variation 2541511 (VCV002541511.2), dbSNP rs1661926813, ClinGen allele CA2488347242.

ClinVar aggregate classification (germline): Uncertain significance (1 of 4 stars; one submission).

Submission:

Ambry Genetics
Classification: Uncertain significance. Last evaluated: 2023-06-12. Review status: criteria provided, single submitter. Criteria: Ambry Variant Classification Scheme 2023. Collection method: clinical testing. Allele origin: germline.
Comment: The c.35_36delTG (p.L12Qfs*112) alteration, located in exon 1 (coding exon 1) of the CYS1 gene, consists of a deletion of 2 nucleotides from position 35 to 36, causing a translational frameshift with a predicted alternate stop codon after 112 amino acids. This alteration is not expected to trigger nonsense-mediated mRNA decay; however, it impacts 92% of the protein. The exact functional effect of this alteration is unknown. This variant was not reported in population-based cohorts in the Genome Aggregation Database (gnomAD). Based on insufficient or conflicting evidence, the clinical significance of this alteration remains unclear.